The following is an entry in ClinVar:

ClinVar aggregate classification (germline): Uncertain significance (1 of 4 stars; one submission).

Submission:

Labcorp Genetics (formerly Invitae), Labcorp
Classification: Uncertain significance. Last evaluated: 2022-09-21. Review status: criteria provided, single submitter. Criteria: Invitae Variant Classification Sherloc (09022015). Collection method: clinical testing. Allele origin: germline.
Comment: In summary, the available evidence is currently insufficient to determine the role of this variant in disease. Therefore, it has been classified as a Variant of Uncertain Significance. Algorithms developed to predict the effect of missense changes on protein structure and function are either unavailable or do not agree on the potential impact of this missense change (SIFT: "Deleterious"; PolyPhen-2: "Possibly Damaging"; Align-GVGD: "Class C0"). This variant has not been reported in the literature in individuals affected with ARHGAP24-related conditions. This variant is not present in population databases (gnomAD no frequency). This sequence change replaces cysteine, which is neutral and slightly polar, with serine, which is neutral and polar, at codon 578 of the ARHGAP24 protein (p.Cys578Ser).

NM_001025616.3(ARHGAP24):c.1732T>A (p.Cys578Ser)

Gene: ARHGAP24 (Rho GTPase activating protein 24; plus strand). Cytogenetic location: 4q21.23.
Variant type: single nucleotide variant.
Coding change: c.1732T>A on transcript NM_001025616.3 (MANE Select); coding-DNA position 1732, T replaced by A.
Protein change: p.Cys578Ser; replaces cysteine 578 with serine.
Molecular consequence: missense variant.
Genome position (GRCh38, 1-based): chr4:85,995,386, T>A. VCF-style: chr4-85995386-T-A. GRCh37 (hg19) VCF-style: chr4-86916539-T-A.
Other names: c.1447T>A, p.Cys483Ser (NM_001042669.2); c.1477T>A, p.Cys493Ser (NM_001287805.2); c.1153T>A, p.Cys385Ser (NM_001346093.2); c.1453T>A, p.Cys485Ser (NM_031305.3); short protein forms C485S, C385S, C493S, C483S, C578S.
Identifiers: ClinVar variation 2031599 (VCV002031599.4), dbSNP rs935518351, ClinGen allele CA357577006.